The following is an entry in ClinVar:

ClinVar aggregate classification (germline): Benign (1 of 4 stars; one submission).

Allele frequency attached by ClinVar (database versions not stated): 1000 Genomes Project 30x 0.18660; 1000 Genomes Project 0.18950; gnomAD exomes 0.34394; gnomAD 0.30315 and 0.29829; TOPMed 0.29166.
gnomAD v4.1: 75,368 of 238,336 alleles (32%); highest among the groups gnomAD compares: Non-Finnish European, 41%; 14,428 homozygotes.

Submission:

GeneDx
Classification: Benign. Last evaluated: 2018-06-19. Review status: criteria provided, single submitter. Criteria: GeneDx Variant Classification (06012015). Collection method: clinical testing. Allele origin: germline. Affected: yes.
Comment: This variant is considered likely benign or benign based on one or more of the following criteria: it is a conservative change, it occurs at a poorly conserved position in the protein, it is predicted to be benign by multiple in silico algorithms, and/or has population frequency not consistent with disease.

NM_001101426.4(CRPPA):c.1120-334C>T

Genes: CRPPA-AS1 (CRPPA antisense RNA 1; plus strand), CRPPA (CDP-L-ribitol pyrophosphorylase A; minus strand). Cytogenetic location: 7p21.2.
Variant type: single nucleotide variant.
Coding change: c.1120-334C>T on transcript NM_001101426.4 (MANE Select); 334 bases into the intron before coding-DNA position 1120, C replaced by T.
Molecular consequence: intron variant.
Genome position (GRCh38, 1-based): chr7:16,216,531, G>A on the plus strand (C>T on the coding strand, the complement: CRPPA is on the minus strand). VCF-style: chr7-16216531-G-A. GRCh37 (hg19) VCF-style: chr7-16256156-G-A.
Other names: c.970-334C>T (NM_001101417.4); c.1015-334C>T (NM_001368197.1).
Identifiers: ClinVar variation 668916 (VCV000668916.1), dbSNP rs62440396, ClinGen allele CA12498732.